The following is an entry in ClinVar:

NM_198252.3(GSN):c.1239A>G (p.Thr413=)

Gene: GSN (gelsolin; plus strand). Cytogenetic location: 9q33.2.
Variant type: single nucleotide variant.
Coding change: c.1239A>G on transcript NM_198252.3 (MANE Select); coding-DNA position 1239, A replaced by G.
Protein change: p.Thr413=; no amino-acid change (threonine 413 retained).
Molecular consequence: synonymous variant.
Genome position (GRCh38, 1-based): chr9:121,321,315, A>G. VCF-style: chr9-121321315-A-G. GRCh37 (hg19) VCF-style: chr9-124083593-A-G.
Other names: c.1272A>G, p.Thr424= (NM_001353075.1, NM_001353077.1, NM_001127666.2 and 13 more transcripts); c.1311A>G, p.Thr437= (NM_001353076.2); c.585A>G, p.Thr195= (NM_001353078.2); c.1392A>G, p.Thr464= (NM_000177.5); c.1239A>G, p.Thr413= (NM_001127662.2, NM_001127664.2, NM_001127665.2 and 10 more transcripts); c.1347A>G, p.Thr449= (NM_001127663.2); c.1290A>G, p.Thr430= (NM_001258029.2); c.1263A>G, p.Thr421= (NM_001258030.2).
Identifiers: ClinVar variation 364812 (VCV000364812.20), dbSNP rs149375418, ClinGen allele CA5221197.

ClinVar aggregate classification (germline): Benign/Likely benign. Review status: criteria provided, multiple submitters, no conflicts (2 of 4 stars). 6 submissions from 6 submitters: Benign (3); Likely benign (1). 2 of the submissions do not count toward it. Last evaluated 2026-02-01.

Conditions:
Inborn genetic diseases. Identifiers: MedGen C0950123, MeSH D030342.
Finnish type amyloidosis. Also called: AMYLOID CRANIAL NEUROPATHY WITH LATTICE CORNEAL DYSTROPHY; AMYLOIDOSIS DUE TO MUTANT GELSOLIN; Amyloidosis, familial, Finnish type; Meretoja type amyloidosis; Amyloidosis 5; AMYLOIDOSIS, HEREDITARY SYSTEMIC 4, FINNISH TYPE. Identifiers: Orphanet 85448, MedGen C1622345, MONDO:0007097, OMIM 105120.

Allele frequency attached by ClinVar (database versions not stated): gnomAD exomes 0.00079 and 0.00189; ExAC 0.00244; 1000 Genomes Project 0.00779; gnomAD 0.00803 and 0.00861; 1000 Genomes Project 30x 0.00874; ESP Exome Variant Server 0.00892; TOPMed 0.00904.
gnomAD v4.1: 2,429 of 1,613,926 alleles (0.15%); highest among the groups gnomAD compares: African/African-American, 2.9%; 44 homozygotes.

Submissions (11):

Labcorp Genetics (formerly Invitae), Labcorp
Classification: Benign. Last evaluated: 2026-02-01. Review status: criteria provided, single submitter. Criteria: Invitae Variant Classification Sherloc (09022015). Collection method: clinical testing. Allele origin: germline.

Ambry Genetics
Classification: Likely benign for Inborn genetic diseases. Last evaluated: 2019-07-11. Review status: criteria provided, single submitter. Criteria: Ambry Variant Classification Scheme 2023. Collection method: clinical testing. Allele origin: germline.

Illumina Laboratory Services, Illumina
Classification: Benign for Finnish type amyloidosis. Last evaluated: 2018-01-12. Review status: criteria provided, single submitter. Criteria: ICSL Variant Classification Criteria 13 December 2019. Collection method: clinical testing. Allele origin: germline.
Comment: This variant was observed in the ICSL laboratory as part of a predisposition screen in an ostensibly healthy population. It had not been previously curated by ICSL or reported in the Human Gene Mutation Database (HGMD: prior to June 1st, 2018), and was therefore a candidate for classification through an automated scoring system. Utilizing variant allele frequency, disease prevalence and penetrance estimates, and inheritance mode, an automated score was calculated to assess if this variant is too frequent to cause the disease. Based on the score and internal cut-off values, a variant classified as benign is not then subjected to further curation. The score for this variant resulted in a classification of benign for this disease.

Breakthrough Genomics
Classification: Benign. Review status: criteria provided, single submitter. Criteria: ACMG Guidelines, 2015. Collection method: not provided. Allele origin: germline. Inheritance: Autosomal dominant inheritance. Affected: yes.

Clinical Genetics DNA and cytogenetics Diagnostics Lab, Erasmus MC, Erasmus Medical Center
Classification: Benign. Review status: no assertion criteria provided. Collection method: clinical testing. Allele origin: germline. Affected: yes. Study: VKGL Data-share Consensus. Not counted in ClinVar's aggregate classification.

Dr. Peter K. Rogan Lab, Western University
No classification provided (evidence only). Condition: Uterine corpus endometrial carcinoma. Review status: no classification provided. Collection method: in vitro. Allele origin: not applicable. Functional consequence: skipped exon, retained intron. Not counted in ClinVar's aggregate classification.

Dr. Peter K. Rogan Lab, Western University
No classification provided (evidence only). Condition: Cervical cancer. Review status: no classification provided. Collection method: in vitro. Allele origin: not applicable. Functional consequence: retained intron. Not counted in ClinVar's aggregate classification.

Dr. Peter K. Rogan Lab, Western University
No classification provided (evidence only). Condition: Ovarian serous cystadenocarcinoma. Review status: no classification provided. Collection method: in vitro. Allele origin: not applicable. Functional consequence: retained intron. Not counted in ClinVar's aggregate classification.

Dr. Peter K. Rogan Lab, Western University
No classification provided (evidence only). Condition: Malignant tumor of esophagus. Review status: no classification provided. Collection method: in vitro. Allele origin: not applicable. Functional consequence: skipped exon. Not counted in ClinVar's aggregate classification.

Dr. Peter K. Rogan Lab, Western University
No classification provided (evidence only). Condition: Malignant tumor of esophagus. Review status: no classification provided. Collection method: in vitro. Allele origin: not applicable. Functional consequence: skipped exon. Not counted in ClinVar's aggregate classification.

Genome Diagnostics Laboratory, University Medical Center Utrecht
Classification: Benign. Review status: no assertion criteria provided. Collection method: clinical testing. Allele origin: germline. Affected: yes. Study: VKGL Data-share Consensus. Not counted in ClinVar's aggregate classification.